The following is an entry in ClinVar:

ClinVar aggregate classification (germline): Uncertain significance (0 of 4 stars; one submission).

Conditions:
NFE2L2-related disorder. Also called: NFE2L2-related condition.

Submission:

PreventionGenetics, part of Exact Sciences
Classification: Uncertain significance for NFE2L2-related condition. Last evaluated: 2024-01-04. Review status: no assertion criteria provided. Collection method: clinical testing. Allele origin: germline.
Comment: The NFE2L2 c.813A>T variant is predicted to result in the amino acid substitution p.Leu271Phe. To our knowledge, this variant has not been reported in the literature or in a large population database, indicating this variant is rare. At this time, the clinical significance of this variant is uncertain due to the absence of conclusive functional and genetic evidence.

NM_006164.5(NFE2L2):c.813A>T (p.Leu271Phe)

Gene: NFE2L2 (NFE2 like bZIP transcription factor 2; minus strand). Cytogenetic location: 2q31.2.
Variant type: single nucleotide variant.
Coding change: c.813A>T on transcript NM_006164.5 (MANE Select); coding-DNA position 813, A replaced by T.
Protein change: p.Leu271Phe; replaces leucine 271 with phenylalanine.
Molecular consequence: missense variant.
Genome position (GRCh38, 1-based): chr2:177,231,790, T>A on the plus strand (A>T on the coding strand, the complement: NFE2L2 is on the minus strand). VCF-style: chr2-177231790-T-A. GRCh37 (hg19) VCF-style: chr2-178096518-T-A.
Other names: c.765A>T, p.Leu255Phe (NM_001145412.3, NM_001313900.1, NM_001313901.1); c.744A>T, p.Leu248Phe (NM_001145413.3); c.723A>T, p.Leu241Phe (NM_001313902.2); c.594A>T, p.Leu198Phe (NM_001313903.2); c.513A>T, p.Leu171Phe (NM_001313904.1); short protein forms L171F, L198F, L241F, L248F, L255F, L271F.
Identifiers: ClinVar variation 3034029 (VCV003034029.2), dbSNP rs2468286687, ClinGen allele CA349373510.
Genomic context (GRCh38, chr2:177,231,790, plus strand): 5'-AGCTATGAAAGCAGAATAAAATTCATCACCAAAATCTGTGTTGACTGTGGCATCTGAATT[T>A]AATGAGTTCACTGTCAACTGGTTGGGGTCTTCTGTGGAGAGGATGCTGCTGAAGGAATCC-3'
Protein context (NP_006155.2, residues 261-281): EDPNQLTVNS[Leu271Phe]NSDATVNTDF